The following is an entry in ClinVar:

ClinVar aggregate classification (germline): Uncertain significance (1 of 4 stars; one submission).

Conditions:
Hereditary spastic paraplegia 2 (SPG2). Also called: SPASTIC PARAPLEGIA 2, X-LINKED; Spastic Paraplegia 2 (SPG2). Identifiers: Orphanet 99015, MedGen C0751604, MONDO:0010733, OMIM 312920.

Submission:

Labcorp Genetics (formerly Invitae), Labcorp
Classification: Uncertain significance for Hereditary spastic paraplegia 2. Last evaluated: 2022-10-18. Review status: criteria provided, single submitter. Criteria: Invitae Variant Classification Sherloc (09022015). Collection method: clinical testing. Allele origin: germline.
Comment: In summary, the available evidence is currently insufficient to determine the role of this variant in disease. Therefore, it has been classified as a Variant of Uncertain Significance. This variant is not present in population databases (gnomAD no frequency). Advanced modeling of protein sequence and biophysical properties (such as structural, functional, and spatial information, amino acid conservation, physicochemical variation, residue mobility, and thermodynamic stability) performed at Invitae indicates that this missense variant is not expected to disrupt PLP1 protein function. This variant has not been reported in the literature in individuals affected with PLP1-related conditions. This sequence change replaces aspartic acid, which is acidic and polar, with asparagine, which is neutral and polar, at codon 57 of the PLP1 protein (p.Asp57Asn).

NM_000533.5(PLP1):c.169G>A (p.Asp57Asn)

Genes: PLP1 (proteolipid protein 1; plus strand), RAB9B (RAB9B, member RAS oncogene family; minus strand). Cytogenetic location: Xq22.2.
Variant type: single nucleotide variant.
Coding change: c.169G>A on transcript NM_000533.5 (MANE Select); coding-DNA position 169, G replaced by A.
Protein change: p.Asp57Asn; replaces aspartic acid 57 with asparagine.
Molecular consequence: missense variant. On other transcripts: splice acceptor variant (1).
Genome position (GRCh38, 1-based): chrX:103,785,746, G>A. VCF-style: chrX-103785746-G-A. GRCh37 (hg19) VCF-style: chrX-103040675-G-A.
Other names: c.169G>A, p.Asp57Asn (NM_001128834.3, NM_199478.3); c.5-1G>A (NM_001305004.1); short protein forms D57N.
Identifiers: ClinVar variation 1716950 (VCV001716950.6), dbSNP rs132630296, ClinGen allele CA414102321.